The following is an entry in ClinVar:

NM_012463.4(ATP6V0A2):c.291G>A (p.Met97Ile)

Gene: ATP6V0A2 (ATPase H+ transporting V0 subunit a2; plus strand). Cytogenetic location: 12q24.31.
Variant type: single nucleotide variant.
Coding change: c.291G>A on transcript NM_012463.4 (MANE Select); coding-DNA position 291, G replaced by A.
Protein change: p.Met97Ile; replaces methionine 97 with isoleucine.
Molecular consequence: missense variant.
Genome position (GRCh38, 1-based): chr12:123,722,445, G>A. VCF-style: chr12-123722445-G-A. GRCh37 (hg19) VCF-style: chr12-124206992-G-A.
Other names: c.291G>A (NM_012463.3); short protein forms M97I.
Identifiers: ClinVar variation 1408437 (VCV001408437.7), dbSNP rs1247351393, ClinGen allele CA387151397.
Genomic context (GRCh38, chr12:123,722,445, plus strand): 5'-TCCCCTTCCTGAAGGAGAGGCCAGCCCTCCTGCGCCACCCCTGAAACAGGTTCTAGAAAT[G>A]CAGGTAACTTGCTTCTGACGAAGCTGGTTGCAGCCATTGATCTTGGGGGCTGCTTACTTA-3'
Protein context (NP_036595.2, residues 87-107): PAPPLKQVLE[Met97Ile]QEQLQKLEVE

ClinVar aggregate classification (germline): Uncertain significance. Review status: criteria provided, multiple submitters, no conflicts (2 of 4 stars). 2 submissions from 2 submitters: Uncertain significance (2). Last evaluated 2023-11-03.

Conditions:
Inborn genetic diseases. Identifiers: MedGen C0950123, MeSH D030342.
ALG9 congenital disorder of glycosylation (CDG1L). Also called: ALG9-CDG; CONGENITAL DISORDER OF GLYCOSYLATION, TYPE Il; CDG Il. Identifiers: Orphanet 79328, MedGen C2931006, MONDO:0012117, OMIM 608776.

Allele frequency attached by ClinVar (database versions not stated): gnomAD 0.00001; TOPMed 0.00001.
gnomAD v4.1: 10 of 1,601,116 alleles (0.00062%); highest among the groups gnomAD compares: Non-Finnish European, 0.00086%; no homozygotes.

Submissions (2):

Ambry Genetics
Classification: Uncertain significance for Inborn genetic diseases. Last evaluated: 2023-11-03. Review status: criteria provided, single submitter. Criteria: Ambry Variant Classification Scheme 2023. Collection method: clinical testing. Allele origin: germline.

Labcorp Genetics (formerly Invitae), Labcorp
Classification: Uncertain significance for ALG9 congenital disorder of glycosylation. Last evaluated: 2021-11-19. Review status: criteria provided, single submitter. Criteria: Invitae Variant Classification Sherloc (09022015). Collection method: clinical testing. Allele origin: germline.
Comment: In summary, the available evidence is currently insufficient to determine the role of this variant in disease. Therefore, it has been classified as a Variant of Uncertain Significance. Algorithms developed to predict the effect of missense changes on protein structure and function (SIFT, PolyPhen-2, Align-GVGD) all suggest that this variant is likely to be tolerated. This variant has not been reported in the literature in individuals affected with ATP6V0A2-related conditions. This variant is not present in population databases (gnomAD no frequency). This sequence change replaces methionine, which is neutral and non-polar, with isoleucine, which is neutral and non-polar, at codon 97 of the ATP6V0A2 protein (p.Met97Ile).